The following is an entry in ClinVar:

ClinVar aggregate classification (germline): Pathogenic (1 of 4 stars; one submission).

Conditions:
Hereditary insensitivity to pain with anhidrosis (CIPA). Also called: NTRK1 Congenital Insensitivity to Pain with Anhidrosis; NEUROPATHY, CONGENITAL SENSORY, WITH ANHIDROSIS; HSAN Type IV; hereditary sensory and autonomic neuropathy type 4; FAMILIAL DYSAUTONOMIA, TYPE II; INSENSITIVITY TO PAIN, CONGENITAL, WITH ANHIDROSIS. Identifiers: Orphanet 642, MedGen C0020074, MONDO:0009746, OMIM 256800.

Submission:

Labcorp Genetics (formerly Invitae), Labcorp
Classification: Pathogenic for Hereditary insensitivity to pain with anhidrosis. Last evaluated: 2022-08-10. Review status: criteria provided, single submitter. Criteria: Invitae Variant Classification Sherloc (09022015). Collection method: clinical testing. Allele origin: germline.
Comment: For these reasons, this variant has been classified as Pathogenic. This variant has not been reported in the literature in individuals affected with NTRK1-related conditions. This variant is not present in population databases (gnomAD no frequency). This sequence change creates a premature translational stop signal (p.Thr574Glyfs*65) in the NTRK1 gene. It is expected to result in an absent or disrupted protein product. Loss-of-function variants in NTRK1 are known to be pathogenic (PMID: 10982191).

Literature cited by the submitters: PubMed 10982191.

NM_002529.4(NTRK1):c.1738_1777del (p.Thr580fs)

Gene: NTRK1 (neurotrophic receptor tyrosine kinase 1; plus strand). Cytogenetic location: 1q23.1.
Variant type: Deletion.
Coding change: c.1738_1777del on transcript NM_002529.4 (MANE Select); coding-DNA positions 1738 to 1777, 40 bases deleted.
Protein change: p.Thr580fs; shifts the reading frame from threonine 580.
Molecular consequence: frameshift variant.
Genome position (GRCh38, 1-based): chr1:156,876,505-156,876,544, 40 bases deleted; deleting any 40 consecutive bases within chr1:156,876,502-156,876,544 gives the same sequence; the c. name uses the placement nearest the transcript's 3' end. GRCh37 (hg19): chr1:156,846,297-156,846,336.
Other names: c.1738_1777del40, p.Thr580Glyfs (NM_001007204.1); c.1630_1669del, p.Thr544fs (NM_001007792.1); c.1720_1759del, p.Thr574fs (NM_001012331.2); short protein forms T544fs, T574fs, T580fs.
Identifiers: ClinVar variation 2023504 (VCV002023504.4), dbSNP rs2525644032, ClinGen allele CA2580061232.